The following is an entry in ClinVar:

NM_000257.4(MYH7):c.175G>T (p.Val59Phe)

Gene: MYH7 (myosin heavy chain 7; minus strand). Cytogenetic location: 14q11.2.
Variant type: single nucleotide variant.
Coding change: c.175G>T on transcript NM_000257.4 (MANE Select); coding-DNA position 175, G replaced by T.
Protein change: p.Val59Phe; replaces valine 59 with phenylalanine.
Molecular consequence: missense variant.
Genome position (GRCh38, 1-based): chr14:23,433,558, C>A on the plus strand (G>T on the coding strand, the complement: MYH7 is on the minus strand). VCF-style: chr14-23433558-C-A. GRCh37 (hg19) VCF-style: chr14-23902767-C-A.
Other names: c.175G>T, p.Val59Phe (NM_001407004.1); short protein forms V59F.
Identifiers: ClinVar variation 3073034 (VCV003073034.2), dbSNP rs771132107, ClinGen allele CA029331.

ClinVar aggregate classification (germline): Uncertain significance (1 of 4 stars; one submission).

Conditions:
Cardiomyopathy (CMYO). Also called: Cardiomyopathies. Identifiers: Orphanet 167848, MedGen C0878544, MONDO:0004994, HP:0001638. Inheritance: Various modes of inheritance.

gnomAD v4.1: 1 of 1,614,224 alleles (0.000062%); highest among the groups gnomAD compares: Admixed American, 0.0017%; no homozygotes.

Submission:

All of Us Research Program, National Institutes of Health
Classification: Uncertain significance for Cardiomyopathy. Last evaluated: 2024-05-14. Review status: criteria provided, single submitter. Criteria: ACMG Guidelines, 2015. Collection method: clinical testing. Allele origin: germline. Inheritance: Autosomal dominant inheritance. Observed: 2 variant alleles, 2 heterozygotes.
Comment: This missense variant replaces valine with phenylalanine at codon 59 of the MYH7 protein. Computational prediction tools indicate that this variant's impact on protein structure and function is inconclusive. To our knowledge, functional studies have not been reported for this variant. This variant has not been reported in individuals affected with MYH7-related disorders in the literature. This variant has been identified in 1/251414 chromosomes in the general population by the Genome Aggregation Database (gnomAD). The available evidence is insufficient to determine the role of this variant in disease conclusively. Therefore, this variant is classified as a Variant of Uncertain Significance.

This study involves interpretation of variants in research participants for the purpose of population health screening. Participant phenotype was not available at the time of variant classification. Additional details can be found in publication PMID: 35346344, PMCID: PMC8962531